The following is an entry in ClinVar:

NM_005585.5(SMAD6):c.939G>A (p.Pro313=)

Gene: SMAD6 (SMAD family member 6; plus strand). Cytogenetic location: 15q22.31.
Variant type: single nucleotide variant.
Coding change: c.939G>A on transcript NM_005585.5 (MANE Select); coding-DNA position 939, G replaced by A.
Protein change: p.Pro313=; no amino-acid change (proline 313 retained).
Molecular consequence: synonymous variant. On other transcripts: non-coding transcript variant (1).
Genome position (GRCh38, 1-based): chr15:66,716,485, G>A. VCF-style: chr15-66716485-G-A. GRCh37 (hg19) VCF-style: chr15-67008823-G-A.
Identifiers: ClinVar variation 577521 (VCV000577521.10), dbSNP rs144403747, ClinGen allele CA7626653.

ClinVar aggregate classification (germline): Conflicting classifications of pathogenicity. Review status: criteria provided, conflicting classifications (1 of 4 stars). 2 submissions from 2 submitters: Uncertain significance (1); Likely benign (1). Last evaluated 2026-01-23.

Conditions:
Aortic valve disease 2 (AOVD2). Identifiers: MedGen C3542024, MONDO:0013902, OMIM 614823.

Allele frequency attached by ClinVar (database versions not stated): 1000 Genomes Project 30x 0.00016; 1000 Genomes Project 0.00020; ExAC 0.00003; gnomAD exomes 0.00003; ESP Exome Variant Server 0.00008; gnomAD 0.00008; TOPMed 0.00010.
gnomAD v4.1: 53 of 1,612,508 alleles (0.0033%); highest among the groups gnomAD compares: African/African-American, 0.039%; no homozygotes.

Submissions (2):

Women's Health and Genetics/Laboratory Corporation of America, LabCorp
Classification: Likely benign. Last evaluated: 2026-01-23. Review status: criteria provided, single submitter. Criteria: LabCorp Variant Classification Summary - May 2015. Collection method: clinical testing. Allele origin: germline.

Labcorp Genetics (formerly Invitae), Labcorp
Classification: Uncertain significance for Aortic valve disease 2. Last evaluated: 2025-10-09. Review status: criteria provided, single submitter. Criteria: Invitae Variant Classification Sherloc (09022015). Collection method: clinical testing. Allele origin: germline.
Comment: This sequence change affects codon 313 of the SMAD6 mRNA. It is a 'silent' change, meaning that it does not change the encoded amino acid sequence of the SMAD6 protein. This variant is present in population databases (rs144403747, gnomAD 0.03%). This variant has not been reported in the literature in individuals affected with SMAD6-related conditions. ClinVar contains an entry for this variant (Variation ID: 577521). Algorithms developed to predict the effect of sequence changes on RNA splicing suggest that this variant may create or strengthen a splice site. In summary, the available evidence is currently insufficient to determine the role of this variant in disease. Therefore, it has been classified as a Variant of Uncertain Significance.